The following is an entry in ClinVar:

ClinVar aggregate classification (germline): Pathogenic (1 of 4 stars; one submission).

Conditions:
Nemaline myopathy 2 (NEM2). Also called: Nemaline myopathy 2, autosomal recessive. Identifiers: MedGen C1850569, MONDO:0009725, OMIM 256030.

Submission:

Myriad Genetics, Inc.
Classification: Pathogenic for Nemaline myopathy 2. Last evaluated: 2025-12-14. Review status: criteria provided, single submitter. Criteria: Myriad Autosomal Dominant, Autosomal Recessive and X-Linked Classification Criteria (2023). Collection method: clinical testing. Allele origin: unknown.
Comment: NM_001271208.1(NEB):c.18462_18463delCT(Y6155Qfs*6) is expected to be pathogenic in the context of NEB-related nemaline myopathy. This variant is predicted to lead to an abnormal or absent protein product due to the creation of a premature termination codon in NEB, a gene where loss-of-function variants are known to be pathogenic. Please note: this variant was assessed in the context of healthy population screening.

NM_001164508.2(NEB):c.18462_18463del (p.Tyr6155fs)

Gene: NEB (nebulin; minus strand). Cytogenetic location: 2q23.3.
Variant type: Microsatellite.
Coding change: c.18462_18463del on transcript NM_001164508.2 (MANE Select); coding-DNA positions 18462 to 18463, 2 bases deleted (CT; older notation c.18462_18463delCT).
Protein change: p.Tyr6155fs; shifts the reading frame from tyrosine 6155.
Molecular consequence: frameshift variant.
Genome position (GRCh38, 1-based): chr2:151,565,052-151,565,053, AG deleted on the plus strand (CT on the coding strand, the reverse complement: NEB is on the minus strand); deleting any 2 consecutive bases within chr2:151,565,052-151,565,055 gives the same sequence; the c. name uses the placement nearest the transcript's 3' end. VCF-style (leftmost placement, unchanged base first): chr2-151565051-TAG-T. GRCh37 (hg19) VCF-style: chr2-152421565-TAG-T.
Other names: c.18462_18463del, p.Tyr6155fs (NM_001164507.2, NM_001271208.2); c.13359_13360del, p.Tyr4454fs (NM_004543.5); short protein forms Y4454fs, Y6155fs.
Identifiers: ClinVar variation 5015321 (VCV005015321.1).
Genomic context (GRCh38, chr2:151,565,051, plus strand): 5'-AACAAGAGCTTCAAATTAGAAATTGAGTGGTTATTACATAAAAGAGAACTTACAGTACTG[TAG>T]AGTTTTCCCATGTCTTTGGAGTGGGAGATATGTGGTGTATCTGGTGAAAACGTATATTTG-3'